The following is an entry in ClinVar:

ClinVar aggregate classification (germline): Uncertain significance (1 of 4 stars; one submission).

gnomAD v4.1: 8 of 765,148 alleles (0.001%); highest among the groups gnomAD compares: East Asian, 0.0048%; no homozygotes.

Submission:

Labcorp Genetics (formerly Invitae), Labcorp
Classification: Uncertain significance. Last evaluated: 2022-08-23. Review status: criteria provided, single submitter. Criteria: Invitae Variant Classification Sherloc (09022015). Collection method: clinical testing. Allele origin: germline.
Comment: This variant is present in population databases (rs368022715, gnomAD 0.002%). In summary, the available evidence is currently insufficient to determine the role of this variant in disease. Therefore, it has been classified as a Variant of Uncertain Significance. Experimental studies and prediction algorithms are not available or were not evaluated, and the functional significance of this variant is currently unknown. ClinVar contains an entry for this variant (Variation ID: 1494827). This variant has not been reported in the literature in individuals affected with SNORD118-related conditions. This variant occurs in the SNORD118 gene, which encodes an RNA molecule that does not result in a protein product.

NR_033294.2(SNORD118):n.24C>G

Genes: SNORD118 (small nucleolar RNA, C/D box 118; minus strand), TMEM107 (transmembrane protein 107; minus strand). Cytogenetic location: 17p13.1.
Variant type: single nucleotide variant.
Molecular consequence: non-coding transcript variant (on NR_033294.2). On other transcripts: 3 prime UTR variant (5).
Genome position: GRCh38 VCF-style: chr17-8173565-G-C. GRCh37 (hg19) VCF-style: chr17-8076883-G-C.
Other names: c.*638C>G (NM_001351278.2, NM_001351279.2, NM_001351280.2 and 2 more transcripts).
Identifiers: ClinVar variation 1494827 (VCV001494827.6), dbSNP rs368022715, ClinGen allele CA8370801.
Genomic context (GRCh38, chr17:8,173,565, plus strand): 5'-AATCACGTTTCATGCATCTCCAATCATCATGTTCTAATCTGCCCTCCGGAGGAGGAACAG[G>C]TAAGGATTATCCCACCTGACGATACAGACAAACAGCCGACATTCTGCACTCAGTGAAAAA-3'